The following is an entry in ClinVar:

ClinVar aggregate classification (germline): Uncertain significance (1 of 4 stars; one submission).

Conditions:
Nephrolithiasis/nephrocalcinosis. Identifiers: MedGen CN580796.

Submission:

Ambry Genetics
Classification: Uncertain significance for Nephrolithiasis/nephrocalcinosis. Last evaluated: 2024-05-23. Review status: criteria provided, single submitter. Criteria: Ambry Variant Classification Scheme 2023. Collection method: clinical testing. Allele origin: germline.
Comment: The p.H41D variant (also known as c.121C>G), located in coding exon 1 of the CASR gene, results from a C to G substitution at nucleotide position 121. The histidine at codon 41 is replaced by aspartic acid, an amino acid with similar properties. This amino acid position is highly conserved in available vertebrate species. In addition, this alteration is predicted to be deleterious by in silico analysis. Based on the available evidence, the clinical significance of this variant remains unclear.

NM_000388.4(CASR):c.121C>G (p.His41Asp)

Gene: CASR (calcium sensing receptor; plus strand). Cytogenetic location: 3q21.1.
Variant type: single nucleotide variant.
Coding change: c.121C>G on transcript NM_000388.4 (MANE Select); coding-DNA position 121, C replaced by G.
Protein change: p.His41Asp; replaces histidine 41 with aspartic acid.
Molecular consequence: missense variant.
Genome position (GRCh38, 1-based): chr3:122,254,310, C>G. VCF-style: chr3-122254310-C-G. GRCh37 (hg19) VCF-style: chr3-121973157-C-G.
Other names: c.121C>G, p.His41Asp (NM_001178065.2); short protein forms H41D.
Identifiers: ClinVar variation 3263498 (VCV003263498.1).